The following is an entry in ClinVar:

ClinVar aggregate classification (germline): Likely benign. Review status: criteria provided, multiple submitters, no conflicts (2 of 4 stars). 3 submissions from 3 submitters: Likely benign (3). Last evaluated 2026-07-01.

Conditions:
Familial meningioma. Also called: Meningioma, familial, susceptibility to. Identifiers: Orphanet 263662, MedGen C3551915, MONDO:0011789, OMIM 607174.
Hereditary cancer-predisposing syndrome. Also called: Hereditary neoplastic syndrome; Neoplastic Syndromes, Hereditary; Hereditary Cancer Syndrome; Tumor predisposition. Identifiers: Orphanet 140162, MedGen C0027672, MeSH D009386, MONDO:0015356.

Allele frequency attached by ClinVar (database versions not stated): gnomAD 0.00004 and 0.00007; gnomAD exomes 0.00004 and 0.00014; TOPMed 0.00008; ExAC 0.00010; 1000 Genomes Project 30x 0.00031; 1000 Genomes Project 0.00040.
gnomAD v4.1: 69 of 1,613,870 alleles (0.0043%); highest among the groups gnomAD compares: East Asian, 0.1%; no homozygotes.

Submissions (3):

CeGaT Center for Human Genetics Tuebingen
Classification: Likely benign. Last evaluated: 2026-07-01. Review status: criteria provided, single submitter. Criteria: CeGaT Center For Human Genetics Tuebingen Variant Classification Criteria Version 2. Collection method: clinical testing. Allele origin: germline. Affected: yes. Observed: 1 variant allele.
Comment: SMARCE1: BP4, BP7

Labcorp Genetics (formerly Invitae), Labcorp
Classification: Likely benign for Familial meningioma. Last evaluated: 2026-02-02. Review status: criteria provided, single submitter. Criteria: Invitae Variant Classification Sherloc (09022015). Collection method: clinical testing. Allele origin: germline.

Ambry Genetics
Classification: Likely benign for Hereditary cancer-predisposing syndrome. Last evaluated: 2018-09-27. Review status: criteria provided, single submitter. Criteria: Ambry Variant Classification Scheme 2023. Collection method: clinical testing. Allele origin: germline.

NM_003079.5(SMARCE1):c.642C>T (p.Asp214=)

Gene: SMARCE1 (SWI/SNF related BAF chromatin remodeling complex subunit E1; minus strand). Cytogenetic location: 17q21.2.
Variant type: single nucleotide variant.
Coding change: c.642C>T on transcript NM_003079.5 (MANE Select); coding-DNA position 642, C replaced by T.
Protein change: p.Asp214=; no amino-acid change (aspartic acid 214 retained).
Molecular consequence: synonymous variant.
Genome position (GRCh38, 1-based): chr17:40,632,267, G>A on the plus strand (C>T on the coding strand, the complement: SMARCE1 is on the minus strand). VCF-style: chr17-40632267-G-A. GRCh37 (hg19) VCF-style: chr17-38788519-G-A.
Identifiers: ClinVar variation 414258 (VCV000414258.17), dbSNP rs186493032, ClinGen allele CA8545205.
Genomic context (GRCh38, chr17:40,632,267, plus strand): 5'-TAAGGACTGGACCTGCCGTTTGAGGACCTGCATTCTAGCTGTTGTGACAACTGACCGAAC[G>A]TCTGGCACCACACTCTCACTAAGAATTTCACTGATGAGGCGGTGGTTTCTCTGGAAACGG-3'
Protein context (NP_003070.3, residues 204-224): SEILSESVVP[Asp214=]VRSVVTTARM